The following is an entry in ClinVar:

ClinVar aggregate classification (germline): Uncertain significance (1 of 4 stars; one submission).

Conditions:
Familial temporal lobe epilepsy 7. Identifiers: Orphanet 101046, MedGen C4225327, MONDO:0014639, OMIM 616436.
Norman-Roberts syndrome (LIS2). Also called: Lissencephaly 2 (Norman-Roberts type). Identifiers: Orphanet 89844, MedGen C0796089, MONDO:0009760, OMIM 257320.

Allele frequency attached by ClinVar (database versions not stated): gnomAD exomes below 0.00001.
gnomAD v4.1: 1 of 1,613,546 alleles (0.000062%); highest among the groups gnomAD compares: East Asian, 0.0022%; no homozygotes.

Submission:

Labcorp Genetics (formerly Invitae), Labcorp
Classification: Uncertain significance for Familial temporal lobe epilepsy 7; Norman-Roberts syndrome. Last evaluated: 2022-06-13. Review status: criteria provided, single submitter. Criteria: Invitae Variant Classification Sherloc (09022015). Collection method: clinical testing. Allele origin: germline.
Comment: In summary, the available evidence is currently insufficient to determine the role of this variant in disease. Therefore, it has been classified as a Variant of Uncertain Significance. Algorithms developed to predict the effect of missense changes on protein structure and function are either unavailable or do not agree on the potential impact of this missense change (SIFT: "Deleterious"; PolyPhen-2: "Benign"; Align-GVGD: "Class C0"). ClinVar contains an entry for this variant (Variation ID: 844129). This variant has not been reported in the literature in individuals affected with RELN-related conditions. This variant is not present in population databases (gnomAD no frequency). This sequence change replaces valine, which is neutral and non-polar, with leucine, which is neutral and non-polar, at codon 89 of the RELN protein (p.Val89Leu).

NM_005045.4(RELN):c.265G>C (p.Val89Leu)

Gene: RELN (reelin; minus strand). Cytogenetic location: 7q22.1.
Variant type: single nucleotide variant.
Coding change: c.265G>C on transcript NM_005045.4 (MANE Select); coding-DNA position 265, G replaced by C.
Protein change: p.Val89Leu; replaces valine 89 with leucine.
Molecular consequence: missense variant.
Genome position (GRCh38, 1-based): chr7:103,917,147, C>G on the plus strand (G>C on the coding strand, the complement: RELN is on the minus strand). VCF-style: chr7-103917147-C-G. GRCh37 (hg19) VCF-style: chr7-103557594-C-G.
Other names: c.265G>C, p.Val89Leu (NM_173054.3); short protein forms V89L.
Identifiers: ClinVar variation 844129 (VCV000844129.7), dbSNP rs778154915, ClinGen allele CA368931113.